The following is an entry in ClinVar:

NM_000435.3(NOTCH3):c.959C>T (p.Thr320Ile)

Gene: NOTCH3 (notch receptor 3; minus strand). Cytogenetic location: 19p13.12.
Variant type: single nucleotide variant.
Coding change: c.959C>T on transcript NM_000435.3 (MANE Select); coding-DNA position 959, C replaced by T.
Protein change: p.Thr320Ile; replaces threonine 320 with isoleucine.
Molecular consequence: missense variant.
Genome position (GRCh38, 1-based): chr19:15,191,501, G>A on the plus strand (C>T on the coding strand, the complement: NOTCH3 is on the minus strand). VCF-style: chr19-15191501-G-A. GRCh37 (hg19) VCF-style: chr19-15302312-G-A.
Other names: short protein forms T320I.
Identifiers: ClinVar variation 4802104 (VCV004802104.1).

ClinVar aggregate classification (germline): Uncertain significance (1 of 4 stars; one submission).

Submission:

Labcorp Genetics (formerly Invitae), Labcorp
Classification: Uncertain significance. Last evaluated: 2025-08-12. Review status: criteria provided, single submitter. Criteria: Invitae Variant Classification Sherloc (09022015). Collection method: clinical testing. Allele origin: germline.
Comment: This sequence change replaces threonine, which is neutral and polar, with isoleucine, which is neutral and non-polar, at codon 320 of the NOTCH3 protein (p.Thr320Ile). This variant is not present in population databases (gnomAD no frequency). This variant has not been reported in the literature in individuals affected with NOTCH3-related conditions. Invitae Evidence Modeling of protein sequence and biophysical properties (such as structural, functional, and spatial information, amino acid conservation, physicochemical variation, residue mobility, and thermodynamic stability) indicates that this missense variant is not expected to disrupt NOTCH3 protein function with a negative predictive value of 95%. In summary, the available evidence is currently insufficient to determine the role of this variant in disease. Therefore, it has been classified as a Variant of Uncertain Significance.